The following is an entry in ClinVar:

NM_001378454.1(ALMS1):c.10588C>T (p.Leu3530Phe)

Gene: ALMS1 (ALMS1 centrosome and basal body associated protein; plus strand). Cytogenetic location: 2p13.1.
Variant type: single nucleotide variant.
Coding change: c.10588C>T on transcript NM_001378454.1 (MANE Select); coding-DNA position 10588, C replaced by T.
Protein change: p.Leu3530Phe; replaces leucine 3530 with phenylalanine.
Molecular consequence: missense variant.
Genome position (GRCh38, 1-based): chr2:73,572,465, C>T. VCF-style: chr2-73572465-C-T. GRCh37 (hg19) VCF-style: chr2-73799592-C-T.
Other names: c.10591C>T, p.Leu3531Phe (NM_015120.4); short protein forms L3531F, L3530F.
Identifiers: ClinVar variation 1432022 (VCV001432022.5), dbSNP rs781331448, ClinGen allele CA1715032.

ClinVar aggregate classification (germline): Uncertain significance (1 of 4 stars; one submission).

Conditions:
Alstrom syndrome (ALMS). Identifiers: Orphanet 64, MedGen C0268425, MONDO:0008763, OMIM 203800.

Allele frequency attached by ClinVar (database versions not stated): gnomAD exomes below 0.00001; ExAC 0.00001.
gnomAD v4.1: 5 of 1,613,948 alleles (0.00031%); highest among the groups gnomAD compares: Middle Eastern, 0.016%; no homozygotes.

Submission:

Labcorp Genetics (formerly Invitae), Labcorp
Classification: Uncertain significance for Alstrom syndrome. Last evaluated: 2024-12-16. Review status: criteria provided, single submitter. Criteria: Invitae Variant Classification Sherloc (09022015). Collection method: clinical testing. Allele origin: germline.
Comment: This sequence change replaces leucine, which is neutral and non-polar, with phenylalanine, which is neutral and non-polar, at codon 3531 of the ALMS1 protein (p.Leu3531Phe). This variant is present in population databases (rs781331448, gnomAD 0.003%). This variant has not been reported in the literature in individuals affected with ALMS1-related conditions. ClinVar contains an entry for this variant (Variation ID: 1432022). Experimental studies and prediction algorithms are not available or were not evaluated, and the functional significance of this variant is currently unknown. In summary, the available evidence is currently insufficient to determine the role of this variant in disease. Therefore, it has been classified as a Variant of Uncertain Significance.